The following is an entry in ClinVar:

ClinVar aggregate classification (germline): Uncertain significance (1 of 4 stars; one submission).

Submission:

Labcorp Genetics (formerly Invitae), Labcorp
Classification: Uncertain significance. Last evaluated: 2025-11-16. Review status: criteria provided, single submitter. Criteria: Invitae Variant Classification Sherloc (09022015). Collection method: clinical testing. Allele origin: germline.
Comment: This sequence change affects codon 572 of the SH3KBP1 mRNA. It is a 'silent' change, meaning that it does not change the encoded amino acid sequence of the SH3KBP1 protein. This variant is not present in population databases (gnomAD no frequency). This variant has not been reported in the literature in individuals affected with SH3KBP1-related conditions. Algorithms developed to predict the effect of sequence changes on RNA splicing suggest that this variant may create or strengthen a splice site. In summary, the available evidence is currently insufficient to determine the role of this variant in disease. Therefore, it has been classified as a Variant of Uncertain Significance.

NM_031892.3(SH3KBP1):c.1716C>A (p.Ser572=)

Gene: SH3KBP1 (SH3 domain containing kinase binding protein 1; minus strand). Cytogenetic location: Xp22.12.
Variant type: single nucleotide variant.
Coding change: c.1716C>A on transcript NM_031892.3 (MANE Select); coding-DNA position 1716, C replaced by A.
Protein change: p.Ser572=; no amino-acid change (serine 572 retained).
Molecular consequence: synonymous variant.
Genome position (GRCh38, 1-based): chrX:19,542,101, G>T on the plus strand (C>A on the coding strand, the complement: SH3KBP1 is on the minus strand). VCF-style: chrX-19542101-G-T. GRCh37 (hg19) VCF-style: chrX-19560219-G-T.
Other names: c.1605C>A, p.Ser535= (NM_001024666.3); c.1002C>A, p.Ser334= (NM_001184960.2); c.1587C>A, p.Ser529= (NM_001353890.2); c.1791C>A, p.Ser597= (NM_001353891.2); c.1662C>A, p.Ser554= (NM_001353892.2); c.1614C>A, p.Ser538= (NM_001353893.2); c.1485C>A, p.Ser495= (NM_001353894.2); c.1542C>A, p.Ser514= (NM_001353895.2); and 4 more.
Identifiers: ClinVar variation 4779074 (VCV004779074.1).